The following is an entry in ClinVar:

ClinVar aggregate classification (germline): Uncertain significance. Review status: criteria provided, single submitter (1 of 4 stars). 2 submissions from 2 submitters: Uncertain significance (1). 1 of the submissions does not count toward it. Last evaluated 2024-10-22.

Conditions:
Rubinstein-Taybi syndrome (RSTS). Identifiers: Orphanet 783, MedGen C0035934, MONDO:0019188.
CREBBP-related disorder. Also called: CREBBP-related disorders; CREBBP-related condition.

Allele frequency attached by ClinVar (database versions not stated): gnomAD exomes below 0.00001; gnomAD 0.00001; TOPMed 0.00001.
gnomAD v4.1: 3 of 1,613,622 alleles (0.00019%); highest among the groups gnomAD compares: South Asian, 0.0011%; no homozygotes.

Submissions (2):

Labcorp Genetics (formerly Invitae), Labcorp
Classification: Uncertain significance for Rubinstein-Taybi syndrome. Last evaluated: 2024-10-22. Review status: criteria provided, single submitter. Criteria: Invitae Variant Classification Sherloc (09022015). Collection method: clinical testing. Allele origin: germline.
Comment: This sequence change replaces proline, which is neutral and non-polar, with threonine, which is neutral and polar, at codon 532 of the CREBBP protein (p.Pro532Thr). This variant is not present in population databases (gnomAD no frequency). This missense change has been observed in individual(s) with Rubinstein-Taybi syndrome (PMID: 25388907). ClinVar contains an entry for this variant (Variation ID: 1988504). Invitae Evidence Modeling of protein sequence and biophysical properties (such as structural, functional, and spatial information, amino acid conservation, physicochemical variation, residue mobility, and thermodynamic stability) indicates that this missense variant is not expected to disrupt CREBBP protein function with a negative predictive value of 95%. In summary, the available evidence is currently insufficient to determine the role of this variant in disease. Therefore, it has been classified as a Variant of Uncertain Significance.

PreventionGenetics, part of Exact Sciences
Classification: Uncertain significance for CREBBP-related condition. Last evaluated: 2023-12-20. Review status: no assertion criteria provided. Collection method: clinical testing. Allele origin: germline. Not counted in ClinVar's aggregate classification.
Comment: The CREBBP c.1594C>A variant is predicted to result in the amino acid substitution p.Pro532Thr. This variant has been reported in an individual with Rubinstein-Taybi syndrome (Spena et al. 2014. PubMed ID: 25388907). However, in at least one other species a threonine (Thr) is present at the Pro532 residue. This variant has not been reported in a large population database, indicating this variant is rare. At this time, the clinical significance of this variant is uncertain due to the absence of conclusive functional and genetic evidence.

Literature cited by the submitters: PubMed 25388907 (cited by Labcorp Genetics (formerly Invitae), Labcorp).

NM_004380.3(CREBBP):c.1594C>A (p.Pro532Thr)

Gene: CREBBP (CREB binding lysine acetyltransferase; minus strand). Cytogenetic location: 16p13.3.
Variant type: single nucleotide variant.
Coding change: c.1594C>A on transcript NM_004380.3 (MANE Select); coding-DNA position 1594, C replaced by A.
Protein change: p.Pro532Thr; replaces proline 532 with threonine.
Molecular consequence: missense variant.
Genome position (GRCh38, 1-based): chr16:3,781,286, G>T on the plus strand (C>A on the coding strand, the complement: CREBBP is on the minus strand). VCF-style: chr16-3781286-G-T. GRCh37 (hg19) VCF-style: chr16-3831287-G-T.
Other names: c.1594C>A (NM_004380.2); c.1480C>A, p.Pro494Thr (NM_001079846.1); short protein forms P494T, P532T.
Identifiers: ClinVar variation 1988504 (VCV001988504.5), dbSNP rs902901184, ClinGen allele CA276976053.